The following is an entry in ClinVar:

ClinVar aggregate classification (germline): Likely benign. Review status: criteria provided, single submitter (1 of 4 stars). 2 submissions from 2 submitters: Likely benign (1). 1 of the submissions does not count toward it. Last evaluated 2023-04-24.

Conditions:
DIS3L2-related disorder. Also called: DIS3L2-related condition.
Perlman syndrome (PRLMNS). Identifiers: Orphanet 2849, MedGen C0796113, MONDO:0009965, OMIM 267000.

gnomAD v4.1: 13 of 1,605,852 alleles (0.00081%); highest among the groups gnomAD compares: Non-Finnish European, 0.0011%; no homozygotes.

Submissions (2):

Labcorp Genetics (formerly Invitae), Labcorp
Classification: Likely benign for Perlman syndrome. Last evaluated: 2023-04-24. Review status: criteria provided, single submitter. Criteria: Invitae Variant Classification Sherloc (09022015). Collection method: clinical testing. Allele origin: germline.

PreventionGenetics, part of Exact Sciences
Classification: Likely benign for DIS3L2-related condition. Last evaluated: 2020-11-23. Review status: no assertion criteria provided. Collection method: clinical testing. Allele origin: germline. Not counted in ClinVar's aggregate classification.
Comment: This variant is classified as likely benign based on ACMG/AMP sequence variant interpretation guidelines (Richards et al. 2015 PMID: 25741868, with internal and published modifications).

NM_152383.5(DIS3L2):c.2290-4G>C

Gene: DIS3L2 (DIS3 like 3'-5' exoribonuclease 2; plus strand). Cytogenetic location: 2q37.1.
Variant type: single nucleotide variant.
Coding change: c.2290-4G>C on transcript NM_152383.5 (MANE Select); 4 bases into the intron before coding-DNA position 2290, G replaced by C.
Molecular consequence: intron variant.
Genome position (GRCh38, 1-based): chr2:232,334,627, G>C. VCF-style: chr2-232334627-G-C. GRCh37 (hg19) VCF-style: chr2-233199337-G-C.
Other names: c.1582-8718G>C (NM_001257281.2); c.2290-4G>C (NM_152383.4).
Identifiers: ClinVar variation 1105928 (VCV001105928.11), dbSNP rs1466719461, ClinGen allele CA540308658.